The following is an entry in ClinVar:

NM_001040436.3(YARS2):c.*162A>G

Gene: YARS2 (tyrosyl-tRNA synthetase 2; minus strand). Cytogenetic location: 12p11.21.
Variant type: single nucleotide variant.
Coding change: c.*162A>G on transcript NM_001040436.3 (MANE Select); 162 bases downstream of the stop codon, A replaced by G.
Molecular consequence: 3 prime UTR variant.
Genome position (GRCh38, 1-based): chr12:32,747,042, T>C on the plus strand (A>G on the coding strand, the complement: YARS2 is on the minus strand). VCF-style: chr12-32747042-T-C. GRCh37 (hg19) VCF-style: chr12-32899976-T-C.
Identifiers: ClinVar variation 308446 (VCV000308446.9), dbSNP rs11052215, ClinGen allele CA10637280.
Genomic context (GRCh38, chr12:32,747,042, plus strand): 5'-TATGGTAATCAAGCTTTGTACATCAGAAAATAAAACATCCCATTATTAAACAAATATTTA[T>C]TAACCGGCCCATAAAAATAATGAAGTTACTCACACTGAGTCCTAGTCCATTCTGTTTTTC-3'

ClinVar aggregate classification (germline): Benign/Likely benign. Review status: criteria provided, multiple submitters, no conflicts (2 of 4 stars). 3 submissions from 3 submitters: Benign (2); Likely benign (1). Last evaluated 2021-12-05.

Conditions:
Myopathy, lactic acidosis, and sideroblastic anemia 2 (MLASA2). Identifiers: Orphanet 2598, MedGen C3150802, MONDO:0013307, OMIM 613561.

Allele frequency attached by ClinVar (database versions not stated): gnomAD exomes 0.00115; gnomAD 0.01017 and 0.01096; TOPMed 0.01213; 1000 Genomes Project 0.01278; 1000 Genomes Project 30x 0.01280.
gnomAD v4.1: 2,148 of 646,910 alleles (0.33%); highest among the groups gnomAD compares: African/African-American, 3.4%; 40 homozygotes.

Submissions (3):

Genome-Nilou Lab
Classification: Benign for Myopathy, lactic acidosis, and sideroblastic anemia 2. Last evaluated: 2021-12-05. Review status: criteria provided, single submitter. Criteria: ACMG Guidelines, 2015. Collection method: clinical testing. Allele origin: germline. Affected: no.

GeneDx
Classification: Likely benign. Last evaluated: 2018-07-09. Review status: criteria provided, single submitter. Criteria: GeneDx Variant Classification Process June 2021. Collection method: clinical testing. Allele origin: germline. Affected: yes.

Illumina Laboratory Services, Illumina
Classification: Benign for Myopathy, lactic acidosis, and sideroblastic anemia 2. Last evaluated: 2018-01-13. Review status: criteria provided, single submitter. Criteria: ICSL Variant Classification Criteria 13 December 2019. Collection method: clinical testing. Allele origin: germline.
Comment: This variant was observed in the ICSL laboratory as part of a predisposition screen in an ostensibly healthy population. It had not been previously curated by ICSL or reported in the Human Gene Mutation Database (HGMD: prior to June 1st, 2018), and was therefore a candidate for classification through an automated scoring system. Utilizing variant allele frequency, disease prevalence and penetrance estimates, and inheritance mode, an automated score was calculated to assess if this variant is too frequent to cause the disease. Based on the score and internal cut-off values, a variant classified as benign is not then subjected to further curation. The score for this variant resulted in a classification of benign for this disease.